The following is an entry in ClinVar:

ClinVar aggregate classification (germline): Uncertain significance (1 of 4 stars; one submission).

Allele frequency attached by ClinVar (database versions not stated): gnomAD exomes below 0.00001.

Submission:

Labcorp Genetics (formerly Invitae), Labcorp
Classification: Uncertain significance. Last evaluated: 2022-09-29. Review status: criteria provided, single submitter. Criteria: Invitae Variant Classification Sherloc (09022015). Collection method: clinical testing. Allele origin: germline.
Comment: This variant has not been reported in the literature in individuals affected with ATP5E-related conditions. This variant is not present in population databases (gnomAD no frequency). This variant, c.144_146del, results in the deletion of 1 amino acid(s) of the ATP5E protein (p.Lys50del), but otherwise preserves the integrity of the reading frame. Experimental studies and prediction algorithms are not available or were not evaluated, and the functional significance of this variant is currently unknown. In summary, the available evidence is currently insufficient to determine the role of this variant in disease. Therefore, it has been classified as a Variant of Uncertain Significance.

NM_006886.4(ATP5F1E):c.144_146del (p.Lys50del)

Genes: ATP5F1E (ATP synthase F1 subunit epsilon; minus strand), SLMO2-ATP5E (SLMO2-ATP5E readthrough; minus strand). Cytogenetic location: 20q13.32.
Variant type: Deletion.
Coding change: c.144_146del on transcript NM_006886.4 (MANE Select); coding-DNA positions 144 to 146, 3 bases deleted (AAA; older notation c.144_146delAAA).
Protein change: p.Lys50del; deletes lysine 50.
Molecular consequence: inframe deletion. On other transcripts: non-coding transcript variant (2), inframe indel (1).
Genome position (GRCh38, 1-based): chr20:59,030,316-59,030,318, TTT deleted on the plus strand (AAA on the coding strand, the reverse complement: ATP5F1E is on the minus strand). VCF-style (leftmost placement, unchanged base first): chr20-59030315-CTTT-C. GRCh37 (hg19) VCF-style: chr20-57605370-CTTT-C.
Other names: c.144_146delAAA, p.Lys50del (NM_001001977.1); short protein forms K50del.
Identifiers: ClinVar variation 2133572 (VCV002133572.4), dbSNP rs2515923325, ClinGen allele CA2580098307.